The following is an entry in ClinVar:

ClinVar aggregate classification (germline): Uncertain significance (1 of 4 stars; one submission).

Conditions:
Tuberous sclerosis 2 (TSC2). Identifiers: Orphanet 805, MedGen C1860707, MONDO:0013199, OMIM 613254.

Submission:

Labcorp Genetics (formerly Invitae), Labcorp
Classification: Uncertain significance for Tuberous sclerosis 2. Last evaluated: 2025-07-21. Review status: criteria provided, single submitter. Criteria: Invitae Variant Classification Sherloc (09022015). Collection method: clinical testing. Allele origin: germline.
Comment: This sequence change replaces valine, which is neutral and non-polar, with isoleucine, which is neutral and non-polar, at codon 1550 of the TSC2 protein (p.Val1550Ile). This variant is not present in population databases (gnomAD no frequency). This variant has not been reported in the literature in individuals affected with TSC2-related conditions. ClinVar contains an entry for this variant (Variation ID: 2717103). Invitae Evidence Modeling of protein sequence and biophysical properties (such as structural, functional, and spatial information, amino acid conservation, physicochemical variation, residue mobility, and thermodynamic stability) indicates that this missense variant is not expected to disrupt TSC2 protein function with a negative predictive value of 95%. In summary, the available evidence is currently insufficient to determine the role of this variant in disease. Therefore, it has been classified as a Variant of Uncertain Significance.

NM_000548.5(TSC2):c.4648G>A (p.Val1550Ile)

Gene: TSC2 (TSC complex subunit 2; plus strand). Cytogenetic location: 16p13.3.
Variant type: single nucleotide variant.
Coding change: c.4648G>A on transcript NM_000548.5 (MANE Select); coding-DNA position 4648, G replaced by A.
Protein change: p.Val1550Ile; replaces valine 1550 with isoleucine.
Molecular consequence: missense variant. On other transcripts: non-coding transcript variant (5).
Genome position (GRCh38, 1-based): chr16:2,085,308, G>A. VCF-style: chr16-2085308-G-A. GRCh37 (hg19) VCF-style: chr16-2135309-G-A.
Other names: c.2845G>A, p.Val949Ile (NM_001406698.1); c.4519G>A, p.Val1507Ile (NM_021055.3, NM_001370405.1); c.3106G>A, p.Val1036Ile (NM_001406693.1, NM_001406694.1, NM_001406692.1); c.3172G>A, p.Val1058Ile (NM_001406691.1); c.3976G>A, p.Val1326Ile (NM_001406684.1); c.3850G>A, p.Val1284Ile (NM_001406685.1, NM_001406686.1); c.3847G>A, p.Val1283Ile (NM_001406687.1, NM_001406688.1); c.3235G>A, p.Val1079Ile (NM_001406689.1); and 26 more; short protein forms V1283I, V1327I, V1330I, V1350I, V1435I, V1446I, V1507I, V1524I.
Identifiers: ClinVar variation 2717103 (VCV002717103.3), dbSNP rs2090633103, ClinGen allele CA394305000.